The following is an entry in ClinVar:

ClinVar aggregate classification (germline): Uncertain significance (1 of 4 stars; one submission).

Conditions:
Sialuria. Also called: Sialic Acid Storage Disease; SIALURIA, FRENCH TYPE. Identifiers: Orphanet 3166, MedGen C0342853, MONDO:0010028, OMIM 269921.

Submission:

3billion
Classification: Uncertain significance for Sialuria. Last evaluated: 2025-08-06. Review status: criteria provided, single submitter. Criteria: ACMG Guidelines, 2015. Collection method: clinical testing. Allele origin: germline. Affected: yes.
Comment: The variant is not observed in the gnomAD v4.1.0 dataset. Predicted Consequence/Location: Missense variant In silico tool predictions suggest damaging effect of the variant on gene or gene product [REVEL: 0.92 (>=0.6, sensitivity 0.68 and specificity 0.92); 3Cnet: 0.99 (> 0.75, sensitivity 0.96 and precision 0.92)]. Different missense changes at the same codon have been reported as of uncertain significance (ClinVar ID: VCV002432212). Therefore, this variant is classified as VUS according to the recommendation of ACMG/AMP guideline.

NM_005476.7(GNE):c.491C>A (p.Ala164Glu)

Gene: GNE (glucosamine (UDP-N-acetyl)-2-epimerase/N-acetylmannosamine kinase; minus strand). Cytogenetic location: 9p13.3.
Variant type: single nucleotide variant.
Coding change: c.491C>A on transcript NM_005476.7 (MANE Select); coding-DNA position 491, C replaced by A.
Protein change: p.Ala164Glu; replaces alanine 164 with glutamic acid.
Molecular consequence: missense variant.
Genome position (GRCh38, 1-based): chr9:36,246,156, G>T on the plus strand (C>A on the coding strand, the complement: GNE is on the minus strand). VCF-style: chr9-36246156-G-T. GRCh37 (hg19) VCF-style: chr9-36246153-G-T.
Other names: c.314C>A, p.Ala105Glu (NM_001374798.1, NM_001190384.3, NM_001190388.2); c.584C>A, p.Ala195Glu (NM_001128227.3); c.491C>A, p.Ala164Glu (NM_001190383.3, NM_001374797.1); short protein forms A105E, A164E, A195E.
Identifiers: ClinVar variation 4854155 (VCV004854155.1).
Genomic context (GRCh38, chr9:36,246,156, plus strand): 5'-GGGCAGCCTGCCAAAAGGATGCGATCATGGTCCTCACACATGGATATCAGGTGCTGCTCT[G>T]CACTGCGGGTGCAGCACACATGATAATGAGCCAGTTTTGTTATGGCATGTCTGATAGAGT-3'
Protein context (NP_005467.1, residues 154-174): AHYHVCCTRS[Ala164Glu]EQHLISMCED